The following is an entry in ClinVar:

ClinVar aggregate classification (germline): Uncertain significance (1 of 4 stars; one submission).

Conditions:
Charcot-Marie-Tooth disease type 4. Also called: Charcot-Marie-Tooth, Type 4; Charcot-Marie-Tooth disease, type IV. Identifiers: Orphanet 64749, MedGen C4082197, MONDO:0018995.

Submission:

Labcorp Genetics (formerly Invitae), Labcorp
Classification: Uncertain significance for Charcot-Marie-Tooth disease type 4. Last evaluated: 2020-03-17. Review status: criteria provided, single submitter. Criteria: Invitae Variant Classification Sherloc (09022015). Collection method: clinical testing. Allele origin: germline.
Comment: This variant is not present in population databases (ExAC no frequency). This sequence change replaces tyrosine with aspartic acid at codon 1504 of the SBF2 protein (p.Tyr1504Asp). The tyrosine residue is moderately conserved and there is a large physicochemical difference between tyrosine and aspartic acid. This variant has not been reported in the literature in individuals with SBF2-related conditions. Algorithms developed to predict the effect of missense changes on protein structure and function (SIFT, PolyPhen-2, Align-GVGD) all suggest that this variant is likely to be tolerated, but these predictions have not been confirmed by published functional studies and their clinical significance is uncertain. In summary, the available evidence is currently insufficient to determine the role of this variant in disease. Therefore, it has been classified as a Variant of Uncertain Significance.

NM_030962.4(SBF2):c.4510T>G (p.Tyr1504Asp)

Genes: SBF2 (SET binding factor 2; minus strand), SBF2-AS1 (SBF2 antisense RNA 1; plus strand). Cytogenetic location: 11p15.4.
Variant type: single nucleotide variant.
Coding change: c.4510T>G on transcript NM_030962.4 (MANE Select); coding-DNA position 4510, T replaced by G.
Protein change: p.Tyr1504Asp; replaces tyrosine 1504 with aspartic acid.
Molecular consequence: missense variant.
Genome position (GRCh38, 1-based): chr11:9,795,891, A>C on the plus strand (T>G on the coding strand, the complement: SBF2 is on the minus strand). VCF-style: chr11-9795891-A-C. GRCh37 (hg19) VCF-style: chr11-9817438-A-C.
Other names: c.4606T>G, p.Tyr1536Asp (NM_001386339.1); c.4381T>G, p.Tyr1461Asp (NM_001386342.1); short protein forms Y1461D, Y1536D, Y1504D.
Identifiers: ClinVar variation 1041834 (VCV001041834.9), dbSNP rs1853093188, ClinGen allele CA379636526.